The following is an entry in ClinVar:

ClinVar aggregate classification (germline): Likely pathogenic (1 of 4 stars; one submission).

Conditions:
Microcephaly 16, primary, autosomal recessive (MCPH16). Identifiers: Orphanet 2512, MedGen C4225249, MONDO:0014730, OMIM 616681.

Submission:

First Genomix Gene Laboratory, Genetic Diagnostics Department
Classification: Likely pathogenic for Microcephaly 16, primary, autosomal recessive. Last evaluated: 2025-02-04. Review status: criteria provided, single submitter. Criteria: ACMG Guidelines, 2015. Collection method: clinical testing. Allele origin: germline. Inheritance: Autosomal recessive inheritance. Affected: no. Observed: 1 variant allele.

NM_015114.3(ANKLE2):c.1508_1518del (p.Ala503fs)

Gene: ANKLE2 (ankyrin repeat and LEM domain containing 2; minus strand). Cytogenetic location: 12q24.33.
Variant type: Deletion.
Coding change: c.1508_1518del on transcript NM_015114.3 (MANE Select); coding-DNA positions 1508 to 1518, 11 bases deleted (CCTCTCACGTC).
Protein change: p.Ala503fs; shifts the reading frame from alanine 503.
Molecular consequence: frameshift variant.
Genome position (GRCh38, 1-based): chr12:132,736,968-132,736,978, GACGTGAGAGG deleted on the plus strand (CCTCTCACGTC on the coding strand, the reverse complement: ANKLE2 is on the minus strand). VCF-style (leftmost placement, unchanged base first): chr12-132736967-TGACGTGAGAGG-T. GRCh37 (hg19) VCF-style: chr12-133313553-TGACGTGAGAGG-T.
Other names: c.1508_1518delCCTCTCACGTC (NM_015114.3); short protein forms A503fs.
Identifiers: ClinVar variation 4845688 (VCV004845688.1).